The following is an entry in ClinVar:

ClinVar aggregate classification (germline): Uncertain significance. Review status: criteria provided, multiple submitters, no conflicts (2 of 4 stars). 2 submissions from 2 submitters: Uncertain significance (2). Last evaluated 2022-09-20.

Conditions:
Hereditary cancer-predisposing syndrome. Also called: Neoplastic Syndromes, Hereditary; Tumor predisposition; Hereditary neoplastic syndrome; Hereditary Cancer Syndrome. Identifiers: Orphanet 140162, MedGen C0027672, MeSH D009386, MONDO:0015356.
POLD1-related polyposis and colorectal cancer syndrome (CRCS10). Also called: COLORECTAL CANCER, SUSCEPTIBILITY TO, ON CHROMOSOME 19q; Colorectal cancer 10; Colorectal cancer, susceptibility to, 10. Identifiers: Orphanet 220460, MedGen C2675481, MONDO:0012953, OMIM 612591.

Submissions (2):

Labcorp Genetics (formerly Invitae), Labcorp
Classification: Uncertain significance for POLD1-related polyposis and colorectal cancer syndrome. Last evaluated: 2022-09-20. Review status: criteria provided, single submitter. Criteria: Invitae Variant Classification Sherloc (09022015). Collection method: clinical testing. Allele origin: germline.
Comment: This sequence change replaces glycine, which is neutral and non-polar, with valine, which is neutral and non-polar, at codon 578 of the POLD1 protein (p.Gly578Val). This variant is not present in population databases (gnomAD no frequency). This variant has not been reported in the literature in individuals affected with POLD1-related conditions. Advanced modeling of protein sequence and biophysical properties (such as structural, functional, and spatial information, amino acid conservation, physicochemical variation, residue mobility, and thermodynamic stability) performed at Invitae indicates that this missense variant is not expected to disrupt POLD1 protein function. In summary, the available evidence is currently insufficient to determine the role of this variant in disease. Therefore, it has been classified as a Variant of Uncertain Significance.

Ambry Genetics
Classification: Uncertain significance for Hereditary cancer-predisposing syndrome. Last evaluated: 2021-07-19. Review status: criteria provided, single submitter. Criteria: Ambry Variant Classification Scheme 2023. Collection method: clinical testing. Allele origin: germline.
Comment: The p.G578V variant (also known as c.1733G>T), located in coding exon 13 of the POLD1 gene, results from a G to T substitution at nucleotide position 1733. The glycine at codon 578 is replaced by valine, an amino acid with dissimilar properties. This amino acid position is conserved. In addition, this alteration is predicted to be tolerated by in silico analysis. Since supporting evidence is limited at this time, the clinical significance of this alteration remains unclear.

NM_002691.4(POLD1):c.1733G>T (p.Gly578Val)

Gene: POLD1 (DNA polymerase delta 1, catalytic subunit; plus strand). Cytogenetic location: 19q13.33.
Variant type: single nucleotide variant.
Coding change: c.1733G>T on transcript NM_002691.4 (MANE Select); coding-DNA position 1733, G replaced by T.
Protein change: p.Gly578Val; replaces glycine 578 with valine.
Molecular consequence: missense variant. On other transcripts: non-coding transcript variant (1).
Genome position (GRCh38, 1-based): chr19:50,407,373, G>T. VCF-style: chr19-50407373-G-T. GRCh37 (hg19) VCF-style: chr19-50910630-G-T.
Other names: c.1733G>T, p.Gly578Val (NM_001256849.1, NM_001308632.1); short protein forms G578V.
Identifiers: ClinVar variation 1779032 (VCV001779032.7), dbSNP rs2122344855, ClinGen allele CA406981262.